The following is an entry in ClinVar:

ClinVar aggregate classification (germline): Uncertain significance. Review status: criteria provided, multiple submitters, no conflicts (2 of 4 stars). 2 submissions from 2 submitters: Uncertain significance (2). Last evaluated 2024-12-31.

Conditions:
Hereditary pancreatitis (PCTT). Also called: PRSS1-Related Hereditary Pancreatitis; Hereditary chronic pancreatitis. Identifiers: Orphanet 676, MedGen C0238339, MONDO:0008185, OMIM 167800.

Submissions (2):

Ambry Genetics
Classification: Uncertain significance for Hereditary pancreatitis. Last evaluated: 2024-12-31. Review status: criteria provided, single submitter. Criteria: Ambry Variant Classification Scheme 2023. Collection method: clinical testing. Allele origin: germline.
Comment: The p.D325E variant (also known as c.975C>G), located in coding exon 8 of the CPA1 gene, results from a C to G substitution at nucleotide position 975. The aspartic acid at codon 325 is replaced by glutamic acid, an amino acid with highly similar properties. This amino acid position is conserved. In addition, this alteration is predicted to be tolerated by in silico analysis. Based on the available evidence, the clinical significance of this variant remains unclear.

Labcorp Genetics (formerly Invitae), Labcorp
Classification: Uncertain significance. Last evaluated: 2021-05-17. Review status: criteria provided, single submitter. Criteria: Invitae Variant Classification Sherloc (09022015). Collection method: clinical testing. Allele origin: germline.
Comment: In summary, the available evidence is currently insufficient to determine the role of this variant in disease. Therefore, it has been classified as a Variant of Uncertain Significance. Algorithms developed to predict the effect of missense changes on protein structure and function are either unavailable or do not agree on the potential impact of this missense change (SIFT: "Deleterious"; PolyPhen-2: "Benign"; Align-GVGD: "Class C35"). This variant has not been reported in the literature in individuals with CPA1-related conditions. This variant is not present in population databases (ExAC no frequency). This sequence change replaces aspartic acid with glutamic acid at codon 325 of the CPA1 protein (p.Asp325Glu). The aspartic acid residue is highly conserved and there is a small physicochemical difference between aspartic acid and glutamic acid.

NM_001868.4(CPA1):c.975C>G (p.Asp325Glu)

Gene: CPA1 (carboxypeptidase A1; plus strand). Cytogenetic location: 7q32.2.
Variant type: single nucleotide variant.
Coding change: c.975C>G on transcript NM_001868.4 (MANE Select); coding-DNA position 975, C replaced by G.
Protein change: p.Asp325Glu; replaces aspartic acid 325 with glutamic acid.
Molecular consequence: missense variant.
Genome position (GRCh38, 1-based): chr7:130,385,333, C>G. VCF-style: chr7-130385333-C-G. GRCh37 (hg19) VCF-style: chr7-130025174-C-G.
Other names: c.975C>G (NM_001868.2); short protein forms D325E.
Identifiers: ClinVar variation 1354415 (VCV001354415.9), dbSNP rs782658284, ClinGen allele CA369283930.